The following is an entry in ClinVar:

NM_005477.3(HCN4):c.-189G>A

Gene: HCN4 (hyperpolarization activated cyclic nucleotide gated potassium channel 4; minus strand). Cytogenetic location: 15q24.1.
Variant type: single nucleotide variant.
Coding change: c.-189G>A on transcript NM_005477.3 (MANE Select); 189 bases upstream of the start codon, G replaced by A.
Molecular consequence: 5 prime UTR variant.
Genome position (GRCh38, 1-based): chr15:73,368,459, C>T on the plus strand (G>A on the coding strand, the complement: HCN4 is on the minus strand). VCF-style: chr15-73368459-C-T. GRCh37 (hg19) VCF-style: chr15-73660800-C-T.
Identifiers: ClinVar variation 679603 (VCV000679603.6), dbSNP rs548581131, ClinGen allele CA272700896.

ClinVar aggregate classification (germline): Benign/Likely benign. Review status: criteria provided, multiple submitters, no conflicts (2 of 4 stars). 3 submissions from 3 submitters: Benign (1); Likely benign (2). Last evaluated 2018-06-19.

Conditions:
Sick sinus syndrome 2, autosomal dominant (SSS2). Also called: ATRIAL FIBRILLATION WITH BRADYARRHYTHMIA; SICK SINUS SYNDROME 2; SICK SINUS SYNDROME 2 WITH OR WITHOUT CARDIAC NONCOMPACTION AND/OR ASCENDING AORTA DILATION; SINUS BRADYCARDIA SYNDROME, FAMILIAL, AUTOSOMAL DOMINANT; SINUS NODE DISEASE, FAMILIAL, AUTOSOMAL DOMINANT. Identifiers: Orphanet 166282, MedGen C1834144, MONDO:0008102, OMIM 163800.

Allele frequency attached by ClinVar (database versions not stated): gnomAD exomes 0.00055; gnomAD 0.00346 and 0.00347; TOPMed 0.00373; 1000 Genomes Project 0.00619; 1000 Genomes Project 30x 0.00625.
gnomAD v4.1: 655 of 375,086 alleles (0.17%); highest among the groups gnomAD compares: African/African-American, 1.1%; 3 homozygotes.

Submissions (3):

GeneDx
Classification: Likely benign. Last evaluated: 2018-06-19. Review status: criteria provided, single submitter. Criteria: GeneDx Variant Classification (06012015). Collection method: clinical testing. Allele origin: germline. Affected: yes.
Comment: This variant is considered likely benign or benign based on one or more of the following criteria: it is a conservative change, it occurs at a poorly conserved position in the protein, it is predicted to be benign by multiple in silico algorithms, and/or has population frequency not consistent with disease.

Illumina Laboratory Services, Illumina
Classification: Benign for Sick sinus syndrome 2, autosomal dominant. Last evaluated: 2018-01-12. Review status: criteria provided, single submitter. Criteria: ICSL Variant Classification Criteria 13 December 2019. Collection method: clinical testing. Allele origin: germline.
Comment: This variant was observed in the ICSL laboratory as part of a predisposition screen in an ostensibly healthy population. It had not been previously curated by ICSL or reported in the Human Gene Mutation Database (HGMD: prior to June 1st, 2018), and was therefore a candidate for classification through an automated scoring system. Utilizing variant allele frequency, disease prevalence and penetrance estimates, and inheritance mode, an automated score was calculated to assess if this variant is too frequent to cause the disease. Based on the score and internal cut-off values, a variant classified as benign is not then subjected to further curation. The score for this variant resulted in a classification of benign for this disease.

Breakthrough Genomics
Classification: Likely benign. Review status: criteria provided, single submitter. Criteria: ACMG Guidelines, 2015. Collection method: not provided. Allele origin: germline. Inheritance: Autosomal dominant inheritance. Affected: yes.